The following is an entry in ClinVar:

ClinVar aggregate classification (germline): Likely pathogenic (1 of 4 stars; one submission).

Conditions:
Hereditary cancer-predisposing syndrome. Also called: Hereditary Cancer Syndrome; Hereditary neoplastic syndrome; Tumor predisposition; Neoplastic Syndromes, Hereditary. Identifiers: Orphanet 140162, MedGen C0027672, MeSH D009386, MONDO:0015356.
Cardiovascular phenotype. Identifiers: MedGen CN230736.

Submission:

Ambry Genetics
Classification: Likely pathogenic for Cardiovascular phenotype; Hereditary cancer-predisposing syndrome. Last evaluated: 2025-11-26. Review status: criteria provided, single submitter. Criteria: Ambry Variant Classification Scheme 2023. Collection method: clinical testing. Allele origin: germline.
Comment: The c.2357_2358insA variant, located in coding exon 20 of the LZTR1 gene, results from an insertion of one nucleotide at position 2357, causing a translational frameshift with a predicted alternate stop codon (p.D787Gfs*64). This alteration occurs at the 3' terminus of thegene, is not expected to trigger nonsense-mediated mRNAdecay and results in the elongation of the protein by nine amino acids. This frameshift impacts the last 6% ofamino acids of the native protein. However, frameshifts are typically deleterious in nature and the impacted region is critical for protein function (Ambry internal data). This variant is considered to be rare based on population cohorts in the Genome Aggregation Database (gnomAD). Based on the supporting evidence, this variant is likely pathogenic for an increased risk of LZTR1-related schwannomatosis (SWN) and would be expected to cause autosomal recessive Noonan syndrome when present along with a second pathogenic or likely pathogenic variant on the other allele; however, the association of this alteration with autosomal dominant Noonan syndrome is unknown.

NM_006767.4(LZTR1):c.2357_2358insA (p.Asp787fs)

Gene: LZTR1 (leucine zipper like post translational regulator 1; plus strand). Cytogenetic location: 22q11.21.
Variant type: Insertion.
Coding change: c.2357_2358insA on transcript NM_006767.4 (MANE Select); coding-DNA positions 2357 to 2358, A inserted.
Protein change: p.Asp787fs; shifts the reading frame from aspartic acid 787.
Molecular consequence: frameshift variant.
Genome position: GRCh38 VCF-style: chr22-20996917-T-TA. GRCh37 (hg19) VCF-style: chr22-21351206-T-TA.
Other names: short protein forms D787fs.
Identifiers: ClinVar variation 1790083 (VCV001790083.3), dbSNP rs2518626048, ClinGen allele CA915940405.